The following is an entry in ClinVar:

ClinVar aggregate classification (germline): Uncertain significance. Review status: criteria provided, multiple submitters, no conflicts (2 of 4 stars). 4 submissions from 4 submitters: Uncertain significance (3). 1 of the submissions does not count toward it. Last evaluated 2021-10-29.

Conditions:
Ehlers-Danlos syndrome, dermatosparaxis type. Also called: Dermatosparaxis; Ehlers-Danlos syndrome, type VII, autosomal recessive; EDS VIIC. Identifiers: Orphanet 1901, MedGen C2700425, MONDO:0009161, OMIM 225410.
Inborn genetic diseases. Identifiers: MedGen C0950123, MeSH D030342.

Allele frequency attached by ClinVar (database versions not stated): gnomAD exomes 0.00003; ExAC 0.00005; TOPMed 0.00005; ESP Exome Variant Server 0.00008.
gnomAD v4.1: 20 of 1,613,336 alleles (0.0012%); highest among the groups gnomAD compares: African/African-American, 0.02%; no homozygotes.

Submissions (4):

Ambry Genetics
Classification: Uncertain significance for Inborn genetic diseases. Last evaluated: 2021-10-29. Review status: criteria provided, single submitter. Criteria: Ambry Variant Classification Scheme 2023. Collection method: clinical testing. Allele origin: germline.

Labcorp Genetics (formerly Invitae), Labcorp
Classification: Uncertain significance for Ehlers-Danlos syndrome, dermatosparaxis type. Last evaluated: 2021-08-27. Review status: criteria provided, single submitter. Criteria: Invitae Variant Classification Sherloc (09022015). Collection method: clinical testing. Allele origin: germline.
Comment: This sequence change replaces alanine with valine at codon 907 of the ADAMTS2 protein (p.Ala907Val). The alanine residue is highly conserved and there is a small physicochemical difference between alanine and valine. This variant is present in population databases (rs141654276, ExAC 0.03%). This variant has not been reported in the literature in individuals affected with ADAMTS2-related conditions. Algorithms developed to predict the effect of missense changes on protein structure and function (SIFT, PolyPhen-2, Align-GVGD) all suggest that this variant is likely to be tolerated. In summary, the available evidence is currently insufficient to determine the role of this variant in disease. Therefore, it has been classified as a Variant of Uncertain Significance.

Breakthrough Genomics
Classification: Uncertain significance. Review status: criteria provided, single submitter. Criteria: ACMG Guidelines, 2015. Collection method: not provided. Allele origin: germline. Inheritance: Autosomal recessive inheritance. Affected: yes.

Natera, Inc.
Classification: Uncertain significance for Ehlers-Danlos syndrome type VIIC. Last evaluated: 2019-10-28. Review status: no assertion criteria provided. Collection method: clinical testing. Allele origin: germline. Not counted in ClinVar's aggregate classification.

NM_014244.5(ADAMTS2):c.2720C>T (p.Ala907Val)

Gene: ADAMTS2 (ADAM metallopeptidase with thrombospondin type 1 motif 2; minus strand). Cytogenetic location: 5q35.3.
Variant type: single nucleotide variant.
Coding change: c.2720C>T on transcript NM_014244.5 (MANE Select); coding-DNA position 2720, C replaced by T.
Protein change: p.Ala907Val; replaces alanine 907 with valine.
Molecular consequence: missense variant.
Genome position (GRCh38, 1-based): chr5:179,126,028, G>A on the plus strand (C>T on the coding strand, the complement: ADAMTS2 is on the minus strand). VCF-style: chr5-179126028-G-A. GRCh37 (hg19) VCF-style: chr5-178553029-G-A.
Other names: short protein forms A907V.
Identifiers: ClinVar variation 572585 (VCV000572585.8), dbSNP rs141654276, ClinGen allele CA3595455.